The following is an entry in ClinVar:

ClinVar aggregate classification (germline): Pathogenic (1 of 4 stars; one submission).

Conditions:
Joubert syndrome. Also called: Familial aplasia of the vermis; CEREBELLOPARENCHYMAL DISORDER IV; JOUBERT-BOLTSHAUSER SYNDROME. Identifiers: Orphanet 475, MedGen C5979921, MONDO:0018772.
Meckel-Gruber syndrome. Also called: Dysencephalia splachnocystica; DYSENCEPHALIA SPLANCHNOCYSTICA; GRUBER SYNDROME. Identifiers: Orphanet 564, MedGen C0265215, MONDO:0018921.

Allele frequency attached by ClinVar (database versions not stated): ExAC 0.00002.
gnomAD v4.1: 1 of 1,614,158 alleles (0.000062%); highest among the groups gnomAD compares: African/African-American, 0.0013%; no homozygotes.

Submission:

Labcorp Genetics (formerly Invitae), Labcorp
Classification: Pathogenic for Joubert syndrome; Meckel-Gruber syndrome. Last evaluated: 2022-11-15. Review status: criteria provided, single submitter. Criteria: Invitae Variant Classification Sherloc (09022015). Collection method: clinical testing. Allele origin: germline.
Comment: For these reasons, this variant has been classified as Pathogenic. This sequence change affects a donor splice site in intron 4 of the MKS1 gene. It is expected to disrupt RNA splicing. Variants that disrupt the donor or acceptor splice site typically lead to a loss of protein function (PMID: 16199547), and loss-of-function variants in MKS1 are known to be pathogenic (PMID: 19466712, 24886560, 26490104). This variant is not present in population databases (gnomAD no frequency). Disruption of this splice site has been observed in individual(s) with clinical features of MKS1-related conditions (PMID: 26862157). ClinVar contains an entry for this variant (Variation ID: 1075466). Algorithms developed to predict the effect of sequence changes on RNA splicing suggest that this variant may disrupt the consensus splice site.

Literature cited by the submitters: PubMed 16199547; PubMed 19466712; PubMed 24886560; PubMed 26490104; PubMed 26862157.

NM_017777.4(MKS1):c.417+1G>T

Gene: MKS1 (MKS transition zone complex subunit 1; minus strand). Cytogenetic location: 17q22.
Variant type: single nucleotide variant.
Coding change: c.417+1G>T on transcript NM_017777.4 (MANE Select); the canonical splice donor site of the intron after coding-DNA position 417, G replaced by T.
Molecular consequence: splice donor variant.
Genome position (GRCh38, 1-based): chr17:58,216,087, C>A on the plus strand (G>T on the coding strand, the complement: MKS1 is on the minus strand). VCF-style: chr17-58216087-C-A. GRCh37 (hg19) VCF-style: chr17-56293448-C-A.
Other names: c.-95+1G>T (NM_001321268.2); c.417+1G>T (NM_001330397.2, NM_001321269.2, NM_001411113.1).
Identifiers: ClinVar variation 1075466 (VCV001075466.9), dbSNP rs756368560, ClinGen allele CA8669546.